The following is an entry in ClinVar:

NM_018941.4(CLN8):c.315del (p.His106fs)

Gene: CLN8 (CLN8 transmembrane ER and ERGIC protein; plus strand). Cytogenetic location: 8p23.3.
Variant type: Deletion.
Coding change: c.315del on transcript NM_018941.4 (MANE Select); coding-DNA position 315, one base deleted (T; older notation c.315delT).
Protein change: p.His106fs; shifts the reading frame from histidine 106.
Molecular consequence: frameshift variant.
Genome position (GRCh38, 1-based): chr8:1,771,369, T deleted; the last of 3 consecutive T bases (chr8:1,771,367-1,771,369); deleting any one gives the same sequence. VCF-style (leftmost placement, unchanged base first): chr8-1771366-GT-G. GRCh37 (hg19) VCF-style: chr8-1719532-GT-G.
Other names: short protein forms H106fs.
Identifiers: ClinVar variation 2753375 (VCV002753375.3), dbSNP rs2486440691, ClinGen allele CA2697549728.

ClinVar aggregate classification (germline): Pathogenic (1 of 4 stars; one submission).

Conditions:
Neuronal ceroid lipofuscinosis. Also called: Neuronal Ceroid Lipofuscinoses. Identifiers: Orphanet 216, Orphanet 79263, MedGen C0027877, MONDO:0016295. Disease mechanism: loss of function.

Submission:

Labcorp Genetics (formerly Invitae), Labcorp
Classification: Pathogenic for Neuronal ceroid lipofuscinosis. Last evaluated: 2023-08-18. Review status: criteria provided, single submitter. Criteria: Invitae Variant Classification Sherloc (09022015). Collection method: clinical testing. Allele origin: germline.
Comment: For these reasons, this variant has been classified as Pathogenic. This variant has not been reported in the literature in individuals affected with CLN8-related conditions. This variant is not present in population databases (gnomAD no frequency). This sequence change creates a premature translational stop signal (p.His106Thrfs*21) in the CLN8 gene. It is expected to result in an absent or disrupted protein product. Loss-of-function variants in CLN8 are known to be pathogenic (PMID: 15024724).

Literature cited by the submitters: PubMed 15024724.